The following is an entry in ClinVar:

NM_014806.5(RUSC2):c.425A>G (p.His142Arg)

Gene: RUSC2 (RUN and SH3 domain containing 2; plus strand). Cytogenetic location: 9p13.3.
Variant type: single nucleotide variant.
Coding change: c.425A>G on transcript NM_014806.5 (MANE Select); coding-DNA position 425, A replaced by G.
Protein change: p.His142Arg; replaces histidine 142 with arginine.
Molecular consequence: missense variant. On other transcripts: non-coding transcript variant (1), intron variant (1).
Genome position (GRCh38, 1-based): chr9:35,546,946, A>G. VCF-style: chr9-35546946-A-G. GRCh37 (hg19) VCF-style: chr9-35546943-A-G.
Other names: c.425A>G, p.His142Arg (NM_001135999.2); c.-620-8114A>G (NM_001330740.2); short protein forms H142R.
Identifiers: ClinVar variation 2094819 (VCV002094819.4), dbSNP rs2490380118, ClinGen allele CA373327092.

ClinVar aggregate classification (germline): Uncertain significance (1 of 4 stars; one submission).

gnomAD v4.1: 2 of 1,574,982 alleles (0.00013%); highest among the groups gnomAD compares: Non-Finnish European, 0.00017%; no homozygotes.

Submission:

Labcorp Genetics (formerly Invitae), Labcorp
Classification: Uncertain significance. Last evaluated: 2023-04-24. Review status: criteria provided, single submitter. Criteria: Invitae Variant Classification Sherloc (09022015). Collection method: clinical testing. Allele origin: germline.
Comment: In summary, the available evidence is currently insufficient to determine the role of this variant in disease. Therefore, it has been classified as a Variant of Uncertain Significance. Algorithms developed to predict the effect of missense changes on protein structure and function output the following: SIFT: "Not Available"; PolyPhen-2: "Benign"; Align-GVGD: "Not Available". The arginine amino acid residue is found in multiple mammalian species, which suggests that this missense change does not adversely affect protein function. This variant has not been reported in the literature in individuals affected with RUSC2-related conditions. This variant is not present in population databases (gnomAD no frequency). This sequence change replaces histidine, which is basic and polar, with arginine, which is basic and polar, at codon 142 of the RUSC2 protein (p.His142Arg).